The following is an entry in ClinVar:

ClinVar aggregate classification (germline): Uncertain significance (1 of 4 stars; one submission).

Submission:

Labcorp Genetics (formerly Invitae), Labcorp
Classification: Uncertain significance. Last evaluated: 2022-03-19. Review status: criteria provided, single submitter. Criteria: Invitae Variant Classification Sherloc (09022015). Collection method: clinical testing. Allele origin: germline.
Comment: In summary, the available evidence is currently insufficient to determine the role of this variant in disease. Therefore, it has been classified as a Variant of Uncertain Significance. Algorithms developed to predict the effect of missense changes on protein structure and function output the following: SIFT: "Tolerated"; PolyPhen-2: "Benign"; Align-GVGD: "Class C0". The valine amino acid residue is found in multiple mammalian species, which suggests that this missense change does not adversely affect protein function. This variant has not been reported in the literature in individuals affected with DONSON-related conditions. This variant is not present in population databases (gnomAD no frequency). This sequence change replaces alanine, which is neutral and non-polar, with valine, which is neutral and non-polar, at codon 26 of the DONSON protein (p.Ala26Val).

NM_017613.4(DONSON):c.77C>T (p.Ala26Val)

Gene: DONSON (DNA replication fork stabilization factor DONSON; minus strand). Cytogenetic location: 21q22.11.
Variant type: single nucleotide variant.
Coding change: c.77C>T on transcript NM_017613.4 (MANE Select); coding-DNA position 77, C replaced by T.
Protein change: p.Ala26Val; replaces alanine 26 with valine.
Molecular consequence: missense variant.
Genome position (GRCh38, 1-based): chr21:33,588,565, G>A on the plus strand (C>T on the coding strand, the complement: DONSON is on the minus strand). VCF-style: chr21-33588565-G-A. GRCh37 (hg19) VCF-style: chr21-34960871-G-A.
Other names: short protein forms A26V.
Identifiers: ClinVar variation 2114343 (VCV002114343.4), dbSNP rs2086610006, ClinGen allele CA410145626.
Genomic context (GRCh38, chr21:33,588,565, plus strand): 5'-CGGCGGGCCGCCGGCTCCGTCAGCTCACGGGGCGGGGAGGCGGCAGCTCCACGGCTCCGG[G>A]CCCTTTTCCGTCGGAGCCGCACTACCTCGGGCGGCTTTCGGAAGCCCGGTGAGTAGCCGG-3'
Protein context (NP_060083.1, residues 16-36): PEVVRLRRKR[Ala26Val]RSRGAAASPP